The following is an entry in ClinVar:

ClinVar aggregate classification (germline): Uncertain significance (1 of 4 stars; one submission).

Conditions:
Menkes kinky-hair syndrome (MNK). Also called: Copper transport disease; Menkes Disease; Classic Menkes Disease. Identifiers: Orphanet 565, MedGen C0022716, MONDO:0010651, OMIM 309400.
Cutis laxa, X-linked (OHS). Also called: EDS IX; Occipital horn syndrome. Identifiers: Orphanet 198, MedGen C0268353, MONDO:0010572, OMIM 304150.
X-linked distal spinal muscular atrophy type 3. Also called: ATP7A-Related Distal Motor Neuropathy; SPINAL MUSCULAR ATROPHY, DISTAL, X-LINKED RECESSIVE; NEURONOPATHY, DISTAL HEREDITARY MOTOR, X-LINKED; NEUROPATHY, DISTAL HEREDITARY MOTOR, X-LINKED. Identifiers: Orphanet 139557, MedGen C1845359, MONDO:0010338, OMIM 300489.

Submission:

Labcorp Genetics (formerly Invitae), Labcorp
Classification: Uncertain significance for X-linked distal spinal muscular atrophy type 3; Cutis laxa, X-linked; Menkes kinky-hair syndrome. Last evaluated: 2023-12-14. Review status: criteria provided, single submitter. Criteria: Invitae Variant Classification Sherloc (09022015). Collection method: clinical testing. Allele origin: germline.
Comment: This sequence change replaces serine, which is neutral and polar, with tyrosine, which is neutral and polar, at codon 1263 of the ATP7A protein (p.Ser1263Tyr). This variant is not present in population databases (gnomAD no frequency). This variant has not been reported in the literature in individuals affected with ATP7A-related conditions. Advanced modeling of protein sequence and biophysical properties (such as structural, functional, and spatial information, amino acid conservation, physicochemical variation, residue mobility, and thermodynamic stability) performed at Invitae indicates that this missense variant is not expected to disrupt ATP7A protein function with a negative predictive value of 95%. In summary, the available evidence is currently insufficient to determine the role of this variant in disease. Therefore, it has been classified as a Variant of Uncertain Significance.

NM_000052.7(ATP7A):c.3788C>A (p.Ser1263Tyr)

Gene: ATP7A (ATPase copper transporting alpha; plus strand). Cytogenetic location: Xq21.1.
Variant type: single nucleotide variant.
Coding change: c.3788C>A on transcript NM_000052.7 (MANE Select); coding-DNA position 3788, C replaced by A.
Protein change: p.Ser1263Tyr; replaces serine 1263 with tyrosine.
Molecular consequence: missense variant. On other transcripts: non-coding transcript variant (1).
Genome position (GRCh38, 1-based): chrX:78,040,720, C>A. VCF-style: chrX-78040720-C-A. GRCh37 (hg19) VCF-style: chrX-77296218-C-A.
Other names: c.3554C>A, p.Ser1185Tyr (NM_001282224.2); short protein forms S1185Y, S1263Y.
Identifiers: ClinVar variation 2932617 (VCV002932617.3), dbSNP rs372066609, ClinGen allele CA413604968.